The following is an entry in ClinVar:

ClinVar aggregate classification (germline): Conflicting classifications of pathogenicity. Review status: criteria provided, conflicting classifications (1 of 4 stars). 2 submissions from 2 submitters: Uncertain significance (1); Likely benign (1). Last evaluated 2025-08-07.

Conditions:
Maturity-onset diabetes of the young type 11. Identifiers: Orphanet 552, MedGen C3150618, MONDO:0013242, OMIM 613375.

Allele frequency attached by ClinVar (database versions not stated): ExAC 0.00012; 1000 Genomes Project 30x 0.00016; 1000 Genomes Project 0.00020; gnomAD 0.00050; ESP Exome Variant Server 0.00062; TOPMed 0.00073.
gnomAD v4.1: 167 of 1,614,174 alleles (0.01%); highest among the groups gnomAD compares: African/African-American, 0.099%; no homozygotes.

Submissions (2):

Labcorp Genetics (formerly Invitae), Labcorp
Classification: Uncertain significance. Last evaluated: 2025-08-07. Review status: criteria provided, single submitter. Criteria: Invitae Variant Classification Sherloc (09022015). Collection method: clinical testing. Allele origin: germline.
Comment: This sequence change replaces isoleucine, which is neutral and non-polar, with valine, which is neutral and non-polar, at codon 308 of the BLK protein (p.Ile308Val). This variant is present in population databases (rs138547659, gnomAD 0.1%), and has an allele count higher than expected for a pathogenic variant. This variant has not been reported in the literature in individuals affected with BLK-related conditions. ClinVar contains an entry for this variant (Variation ID: 2428755). An algorithm developed to predict the effect of missense changes on protein structure and function (PolyPhen-2) suggests that this variant is likely to be disruptive. In summary, the available evidence is currently insufficient to determine the role of this variant in disease. Therefore, it has been classified as a Variant of Uncertain Significance.

ARUP Laboratories, Molecular Genetics and Genomics, ARUP Laboratories
Classification: Likely benign for Maturity-onset diabetes of the young type 11. Last evaluated: 2022-03-01. Review status: criteria provided, single submitter. Criteria: ARUP Molecular Germline Variant Investigation Process 2021. Collection method: clinical testing. Allele origin: germline.

NM_001715.3(BLK):c.922A>G (p.Ile308Val)

Genes: BLK (BLK proto-oncogene, Src family tyrosine kinase), BLK-AS1 (BLK antisense RNA 1). Cytogenetic location: 8p23.1.
Variant type: single nucleotide variant.
Coding change: c.922A>G on transcript NM_001715.3 (MANE Select); coding-DNA position 922, A replaced by G.
Protein change: p.Ile308Val; replaces isoleucine 308 with valine.
Molecular consequence: missense variant.
Genome position (GRCh38, 1-based): chr8:11,556,807, A>G. VCF-style: chr8-11556807-A-G. GRCh37 (hg19) VCF-style: chr8-11414316-A-G.
Other names: c.709A>G, p.Ile237Val (NM_001330465.2); short protein forms I237V, I308V.
Identifiers: ClinVar variation 2428755 (VCV002428755.5), dbSNP rs138547659, ClinGen allele CA4630151.